The following is an entry in ClinVar:

ClinVar aggregate classification (germline): Benign/Likely benign. Review status: criteria provided, multiple submitters, no conflicts (2 of 4 stars). 6 submissions from 6 submitters: Benign (1); Likely benign (5). Last evaluated 2026-05-15.

Conditions:
Hereditary cancer-predisposing syndrome. Also called: Neoplastic Syndromes, Hereditary; Hereditary Cancer Syndrome; Tumor predisposition; Hereditary neoplastic syndrome. Identifiers: Orphanet 140162, MedGen C0027672, MeSH D009386, MONDO:0015356.
Neurofibromatosis, type 1 (NF1). Also called: Peripheral type neurofibromatosis; Neurofibromatosis, type I; VON RECKLINGHAUSEN DISEASE; NEUROFIBROMATOSIS, TYPE I, SOMATIC. Identifiers: Orphanet 636, MedGen C0027831, MONDO:0018975, OMIM 162200. Disease mechanism: loss of function.

Allele frequency attached by ClinVar (database versions not stated): gnomAD exomes 0.00001; ExAC 0.00002.
gnomAD v4.1: 12 of 1,613,732 alleles (0.00074%); highest among the groups gnomAD compares: East Asian, 0.027%; no homozygotes.

Submissions (6):

Myriad Genetics, Inc.
Classification: Benign for Neurofibromatosis, type 1. Last evaluated: 2026-05-15. Review status: criteria provided, single submitter. Criteria: Myriad Autosomal Dominant, Autosomal Recessive and X-Linked Classification Criteria (2023). Collection method: clinical testing. Allele origin: unknown.
Comment: This variant is considered benign. This variant is a silent/synonymous amino acid change and it is not expected to impact splicing.

Labcorp Genetics (formerly Invitae), Labcorp
Classification: Likely benign for Neurofibromatosis, type 1. Last evaluated: 2026-01-28. Review status: criteria provided, single submitter. Criteria: Invitae Variant Classification Sherloc (09022015). Collection method: clinical testing. Allele origin: germline.

Blueprint Genetics
Classification: Likely benign. Last evaluated: 2024-09-20. Review status: criteria provided, single submitter. Criteria: ACMG Guidelines, 2015. Collection method: clinical testing. Allele origin: germline.

Genome-Nilou Lab
Classification: Likely benign for Neurofibromatosis, type 1. Last evaluated: 2022-03-15. Review status: criteria provided, single submitter. Criteria: ACMG Guidelines, 2015. Collection method: clinical testing. Allele origin: germline. Affected: no.

Ambry Genetics
Classification: Likely benign for Hereditary cancer-predisposing syndrome. Last evaluated: 2015-08-25. Review status: criteria provided, single submitter. Criteria: Ambry Autosomal Dominant and X-Linked criteria (10/2015). Collection method: clinical testing. Allele origin: germline. Observed: 1 variant allele.

PreventionGenetics, part of Exact Sciences
Classification: Likely benign. Review status: criteria provided, single submitter. Criteria: ACMG Guidelines, 2015. Collection method: clinical testing. Allele origin: germline.

NM_001042492.3(NF1):c.1974C>A (p.Leu658=)

Gene: NF1 (neurofibromin 1; plus strand). Cytogenetic location: 17q11.2.
Variant type: single nucleotide variant.
Coding change: c.1974C>A on transcript NM_001042492.3 (MANE Select); coding-DNA position 1974, C replaced by A.
Protein change: p.Leu658=; no amino-acid change (leucine 658 retained).
Molecular consequence: synonymous variant.
Genome position (GRCh38, 1-based): chr17:31,225,223, C>A. VCF-style: chr17-31225223-C-A. GRCh37 (hg19) VCF-style: chr17-29552241-C-A.
Other names: c.1974C>A, p.Leu658= (NM_000267.4).
Identifiers: ClinVar variation 233597 (VCV000233597.16), dbSNP rs751318331, ClinGen allele CA8485890.